The following is an entry in ClinVar:

ClinVar aggregate classification (germline): Uncertain significance (1 of 4 stars; one submission).

Conditions:
Tuberous sclerosis 2 (TSC2). Identifiers: Orphanet 805, MedGen C1860707, MONDO:0013199, OMIM 613254.

Submission:

Labcorp Genetics (formerly Invitae), Labcorp
Classification: Uncertain significance for Tuberous sclerosis 2. Last evaluated: 2023-04-15. Review status: criteria provided, single submitter. Criteria: Invitae Variant Classification Sherloc (09022015). Collection method: clinical testing. Allele origin: germline.
Comment: This variant is not present in population databases (gnomAD no frequency). This sequence change replaces histidine, which is basic and polar, with glutamine, which is neutral and polar, at codon 1670 of the TSC2 protein (p.His1670Gln). In summary, the available evidence is currently insufficient to determine the role of this variant in disease. Therefore, it has been classified as a Variant of Uncertain Significance. Advanced modeling of protein sequence and biophysical properties (such as structural, functional, and spatial information, amino acid conservation, physicochemical variation, residue mobility, and thermodynamic stability) performed at Invitae indicates that this missense variant is not expected to disrupt TSC2 protein function. This variant has not been reported in the literature in individuals affected with TSC2-related conditions.

NM_000548.5(TSC2):c.5010C>G (p.His1670Gln)

Gene: TSC2 (TSC complex subunit 2; plus strand). Cytogenetic location: 16p13.3.
Variant type: single nucleotide variant.
Coding change: c.5010C>G on transcript NM_000548.5 (MANE Select); coding-DNA position 5010, C replaced by G.
Protein change: p.His1670Gln; replaces histidine 1670 with glutamine.
Molecular consequence: missense variant. On other transcripts: non-coding transcript variant (5).
Genome position (GRCh38, 1-based): chr16:2,087,883, C>G. VCF-style: chr16-2087883-C-G. GRCh37 (hg19) VCF-style: chr16-2137884-C-G.
Other names: c.4809C>G, p.His1603Gln (NM_001077183.3); c.4941C>G, p.His1647Gln (NM_001114382.3); c.4701C>G, p.His1567Gln (NM_001318827.2); c.4665C>G, p.His1555Gln (NM_001318829.2); c.4278C>G, p.His1426Gln (NM_001318831.2); c.4842C>G, p.His1614Gln (NM_001318832.2); c.4812C>G, p.His1604Gln (NM_001363528.2); c.4878C>G, p.His1626Gln (NM_001370404.1); and 26 more; short protein forms H1156Q, H1179Q, H1403Q, H1555Q, H1566Q, H1603Q, H1604Q, H1634Q.
Identifiers: ClinVar variation 2856491 (VCV002856491.3), dbSNP rs376306544, ClinGen allele CA394311152.